The following is an entry in ClinVar:

ClinVar aggregate classification (germline): Uncertain significance. Review status: criteria provided, multiple submitters, no conflicts (2 of 4 stars). 2 submissions from 2 submitters: Uncertain significance (2). Last evaluated 2025-03-14.

Conditions:
Wilms tumor 1 (WT1). Also called: Wilms tumor, somatic. Identifiers: Orphanet 654, MedGen CN033288, MONDO:0008679, OMIM 194070.
11p partial monosomy syndrome (WAGR). Also called: WAGR Complex; WAGR syndrome; CHROMOSOME 11p13 DELETION SYNDROME; WAGR Spectrum Disorder. Identifiers: Orphanet 893, MedGen C0206115, MONDO:0008681, OMIM 194072.
Frasier syndrome. Identifiers: Orphanet 347, MedGen C0950122, MeSH D052159, MONDO:0007635, OMIM 136680.
Drash syndrome (DDS). Also called: NEPHROPATHY, WILMS TUMOR, AND GENITAL ANOMALIES; WILMS TUMOR AND PSEUDO- OR TRUE HERMAPHRODITISM. Identifiers: Orphanet 220, MedGen C0950121, MONDO:0008682, OMIM 194080.
Inborn genetic diseases. Identifiers: MedGen C0950123, MeSH D030342.

Allele frequency attached by ClinVar (database versions not stated): gnomAD exomes below 0.00001.
gnomAD v4.1: 4 of 1,593,468 alleles (0.00025%); highest among the groups gnomAD compares: South Asian, 0.0011%; no homozygotes.

Submissions (2):

Ambry Genetics
Classification: Uncertain significance for Inborn genetic diseases. Last evaluated: 2025-03-14. Review status: criteria provided, single submitter. Criteria: Ambry Variant Classification Scheme 2023. Collection method: clinical testing. Allele origin: germline.
Comment: The p.H137P variant (also known as c.410A>C), located in coding exon 1 of the WT1 gene, results from an A to C substitution at nucleotide position 410. The histidine at codon 137 is replaced by proline, an amino acid with similar properties. This amino acid position is conserved. In addition, the in silico prediction for this alteration is inconclusive. Based on the available evidence, the clinical significance of this variant remains unclear.

Labcorp Genetics (formerly Invitae), Labcorp
Classification: Uncertain significance for Wilms tumor 1; Drash syndrome; 11p partial monosomy syndrome; Frasier syndrome. Last evaluated: 2023-10-18. Review status: criteria provided, single submitter. Criteria: Invitae Variant Classification Sherloc (09022015). Collection method: clinical testing. Allele origin: germline.
Comment: This sequence change replaces histidine, which is basic and polar, with proline, which is neutral and non-polar, at codon 137 of the WT1 protein (p.His137Pro). This variant is not present in population databases (gnomAD no frequency). This variant has not been reported in the literature in individuals affected with WT1-related conditions. ClinVar contains an entry for this variant (Variation ID: 567677). An algorithm developed to predict the effect of missense changes on protein structure and function (PolyPhen-2) suggests that this variant is likely to be disruptive. In summary, the available evidence is currently insufficient to determine the role of this variant in disease. Therefore, it has been classified as a Variant of Uncertain Significance.

NM_024426.6(WT1):c.425A>C (p.His142Pro)

Genes: WT1 (WT1 transcription factor; minus strand), LOC107982234 (WT1/WT1-AS bi-directional promoter region; plus strand). Cytogenetic location: 11p13.
Variant type: single nucleotide variant.
Coding change: c.425A>C on transcript NM_024426.6 (MANE Select); coding-DNA position 425, A replaced by C.
Protein change: p.His142Pro; replaces histidine 142 with proline.
Molecular consequence: missense variant. On other transcripts: non-coding transcript variant (1).
Genome position (GRCh38, 1-based): chr11:32,434,936, T>G on the plus strand (A>C on the coding strand, the complement: WT1 is on the minus strand). VCF-style: chr11-32434936-T-G. GRCh37 (hg19) VCF-style: chr11-32456482-T-G.
Other names: c.425A>C, p.His142Pro (NM_000378.6, NM_024424.5); short protein forms H142P.
Identifiers: ClinVar variation 567677 (VCV000567677.13), dbSNP rs1565001515, ClinGen allele CA379965687.
Genomic context (GRCh38, chr11:32,434,936, plus strand): 5'-AGGCACTGCTCCTCGTGCGGCTCCGCGCCGCCCCAGCTCGGCTCCTGTTTGATGAAGGAG[T>G]GAGGCGGCGGCGGCGGGGGTGGCGGCGGAGCCGGTGGCGGCGCGGGGCCGCCCAACGACC-3'
Protein context (NP_077744.4, residues 132-152): APPPPPPPPP[His142Pro]SFIKQEPSWG